The following is an entry in ClinVar:

NM_198904.4(GABRG2):c.401T>C (p.Val134Ala)

Gene: GABRG2 (gamma-aminobutyric acid type A receptor subunit gamma2; plus strand). Cytogenetic location: 5q34.
Variant type: single nucleotide variant.
Coding change: c.401T>C on transcript NM_198904.4 (MANE Select); coding-DNA position 401, T replaced by C.
Protein change: p.Val134Ala; replaces valine 134 with alanine.
Molecular consequence: missense variant. On other transcripts: 5 prime UTR variant (2).
Genome position (GRCh38, 1-based): chr5:162,097,711, T>C. VCF-style: chr5-162097711-T-C. GRCh37 (hg19) VCF-style: chr5-161524717-T-C.
Other names: c.401T>C, p.Val134Ala (NM_000816.3, NM_001375340.1, NM_001375341.1 and 4 more transcripts); c.392T>C, p.Val131Ala (NM_001375339.1); c.335T>C, p.Val112Ala (NM_001375345.1, NM_001375346.1); c.314T>C, p.Val105Ala (NM_001375347.1); c.-20T>C (NM_001375348.1, NM_001375350.1); c.116T>C, p.Val39Ala (NM_001375349.1); short protein forms V112A, V39A, V105A, V131A, V134A.
Identifiers: ClinVar variation 1393283 (VCV001393283.6), dbSNP rs2113325670, ClinGen allele CA362184002.
Genomic context (GRCh38, chr5:162,097,711, plus strand): 5'-ATATATTTTTTGCGCAAACGTGGTATGACAGACGTTTGAAATTTAACAGCACCATTAAAG[T>C]CCTCCGATTGAACAGCAACATGGTGGGGAAAATCTGGATTCCAGACACTTTCTTCAGAAA-3'
Protein context (NP_944494.1, residues 124-144): RRLKFNSTIK[Val134Ala]LRLNSNMVGK

ClinVar aggregate classification (germline): Uncertain significance (1 of 4 stars; one submission).

Conditions:
Febrile seizures, familial, 8 (FEB8). Also called: CONVULSIONS, FAMILIAL FEBRILE, 8. Identifiers: Orphanet 36387, MedGen C1969810, MONDO:0011891, OMIM 607681.
EPILEPSY, CHILDHOOD ABSENCE, SUSCEPTIBILITY TO, 2 (ECA2). Identifiers: Orphanet 64280, MedGen C1843244, OMIM 607681.

Submission:

Labcorp Genetics (formerly Invitae), Labcorp
Classification: Uncertain significance for Febrile seizures, familial, 8; EPILEPSY, CHILDHOOD ABSENCE, SUSCEPTIBILITY TO, 2. Last evaluated: 2021-11-14. Review status: criteria provided, single submitter. Criteria: Invitae Variant Classification Sherloc (09022015). Collection method: clinical testing. Allele origin: germline.
Comment: In summary, the available evidence is currently insufficient to determine the role of this variant in disease. Therefore, it has been classified as a Variant of Uncertain Significance. Advanced modeling of protein sequence and biophysical properties (such as structural, functional, and spatial information, amino acid conservation, physicochemical variation, residue mobility, and thermodynamic stability) performed at Invitae indicates that this missense variant is not expected to disrupt GABRG2 protein function. This variant has not been reported in the literature in individuals affected with GABRG2-related conditions. This variant is not present in population databases (gnomAD no frequency). This sequence change replaces valine, which is neutral and non-polar, with alanine, which is neutral and non-polar, at codon 134 of the GABRG2 protein (p.Val134Ala).